The following is an entry in ClinVar:

NM_001370259.2(MEN1):c.1019C>G (p.Ala340Gly)

Gene: MEN1 (menin 1; minus strand). Cytogenetic location: 11q13.1.
Variant type: single nucleotide variant.
Coding change: c.1019C>G on transcript NM_001370259.2 (MANE Select); coding-DNA position 1019, C replaced by G.
Protein change: p.Ala340Gly; replaces alanine 340 with glycine.
Molecular consequence: missense variant.
Genome position (GRCh38, 1-based): chr11:64,806,262, G>C on the plus strand (C>G on the coding strand, the complement: MEN1 is on the minus strand). VCF-style: chr11-64806262-G-C. GRCh37 (hg19) VCF-style: chr11-64573734-G-C.
Other names: c.914C>G, p.Ala305Gly (NM_001370262.2, NM_001370263.2); c.1019C>G, p.Ala340Gly (NM_130799.3, NM_001370251.2, NM_001370260.2 and 1 more transcripts); c.1034C>G, p.Ala345Gly (NM_130800.3, NM_130801.3, NM_130802.3 and 3 more transcripts); short protein forms A340G, A345G, A305G.
Identifiers: ClinVar variation 1351649 (VCV001351649.8), dbSNP rs2136118671, ClinGen allele CA381183236.

ClinVar aggregate classification (germline): Uncertain significance (1 of 4 stars; one submission).

Conditions:
Multiple endocrine neoplasia, type 1 (MEN1). Also called: MEN I; WERMER SYNDROME; MEA I; Endocrine adenomatosis multiple; MEN 1. Identifiers: Orphanet 652, MedGen C0025267, MeSH D018761, MONDO:0007540, OMIM 131100.

Submission:

Labcorp Genetics (formerly Invitae), Labcorp
Classification: Uncertain significance for Multiple endocrine neoplasia, type 1. Last evaluated: 2022-09-01. Review status: criteria provided, single submitter. Criteria: Invitae Variant Classification Sherloc (09022015). Collection method: clinical testing. Allele origin: germline.
Comment: In summary, the available evidence is currently insufficient to determine the role of this variant in disease. Therefore, it has been classified as a Variant of Uncertain Significance. Advanced modeling of protein sequence and biophysical properties (such as structural, functional, and spatial information, amino acid conservation, physicochemical variation, residue mobility, and thermodynamic stability) performed at Invitae indicates that this missense variant is expected to disrupt MEN1 protein function. ClinVar contains an entry for this variant (Variation ID: 1351649). This variant has not been reported in the literature in individuals affected with MEN1-related conditions. This variant is not present in population databases (gnomAD no frequency). This sequence change replaces alanine, which is neutral and non-polar, with glycine, which is neutral and non-polar, at codon 340 of the MEN1 protein (p.Ala340Gly).